The following is an entry in ClinVar:

ClinVar aggregate classification (germline): Uncertain significance (1 of 4 stars; one submission).

Conditions:
Left ventricular noncompaction 8 (LVNC8). Identifiers: Orphanet 154, Orphanet 54260, MedGen C3809288, MONDO:0014152, OMIM 615373.

Submission:

Labcorp Genetics (formerly Invitae), Labcorp
Classification: Uncertain significance for Left ventricular noncompaction 8. Last evaluated: 2024-05-08. Review status: criteria provided, single submitter. Criteria: Invitae Variant Classification Sherloc (09022015). Collection method: clinical testing. Allele origin: germline.
Comment: This sequence change replaces proline, which is neutral and non-polar, with serine, which is neutral and polar, at codon 852 of the PRDM16 protein (p.Pro852Ser). This variant is not present in population databases (gnomAD no frequency). This variant has not been reported in the literature in individuals affected with PRDM16-related conditions. Algorithms developed to predict the effect of missense changes on protein structure and function output the following: SIFT: "Not Available"; PolyPhen-2: "Benign"; Align-GVGD: "Not Available". The serine amino acid residue is found in multiple mammalian species, which suggests that this missense change does not adversely affect protein function. In summary, the available evidence is currently insufficient to determine the role of this variant in disease. Therefore, it has been classified as a Variant of Uncertain Significance.

NM_022114.4(PRDM16):c.2554C>T (p.Pro852Ser)

Gene: PRDM16 (PR/SET domain 16; plus strand). Cytogenetic location: 1p36.32.
Variant type: single nucleotide variant.
Coding change: c.2554C>T on transcript NM_022114.4 (MANE Select); coding-DNA position 2554, C replaced by T.
Protein change: p.Pro852Ser; replaces proline 852 with serine.
Molecular consequence: missense variant.
Genome position (GRCh38, 1-based): chr1:3,412,751, C>T. VCF-style: chr1-3412751-C-T. GRCh37 (hg19) VCF-style: chr1-3329315-C-T.
Other names: c.2554C>T, p.Pro852Ser (NM_199454.3); short protein forms P852S.
Identifiers: ClinVar variation 3672235 (VCV003672235.2).